The following is an entry in ClinVar:

NM_005121.3(MED13):c.2175dup (p.His726fs)

Gene: MED13 (mediator complex subunit 13; minus strand). Cytogenetic location: 17q23.2.
Variant type: Duplication.
Coding change: c.2175dup on transcript NM_005121.3 (MANE Select); coding-DNA position 2175, one base duplicated (A; older notation c.2175dupA).
Protein change: p.His726fs; shifts the reading frame from histidine 726.
Molecular consequence: frameshift variant.
Genome position (GRCh38, 1-based): chr17:61,995,158, T duplicated on the plus strand (A on the coding strand, the reverse complement: MED13 is on the minus strand); the first of 7 consecutive T bases (chr17:61,995,158-61,995,164); duplicating any one gives the same sequence. VCF-style (leftmost placement, unchanged base first): chr17-61995157-G-GT. GRCh37 (hg19) VCF-style: chr17-60072518-G-GT.
Other names: short protein forms H726fs.
Identifiers: ClinVar variation 4624794 (VCV004624794.1).

ClinVar aggregate classification (germline): Pathogenic (1 of 4 stars; one submission).

Conditions:
Inborn genetic diseases. Identifiers: MedGen C0950123, MeSH D030342.

Submission:

Ambry Genetics
Classification: Pathogenic for Inborn genetic diseases. Last evaluated: 2025-10-16. Review status: criteria provided, single submitter. Criteria: Ambry Variant Classification Scheme 2023. Collection method: clinical testing. Allele origin: germline.
Comment: The c.2175dupA (p.H726Tfs*9) alteration, located in exon 10 (coding exon 10) of the MED13 gene, consists of a duplication of A at position 2175, causing a translational frameshift with a predicted alternate stop codon after 9 amino acids. This alteration is expected to result in loss of function by premature protein truncation or nonsense-mediated mRNA decay. This variant was not reported in population-based cohorts in the Genome Aggregation Database (gnomAD). Based on the available evidence, this alteration is classified as pathogenic.